The following is an entry in ClinVar:

NM_013339.4(ALG6):c.1005A>C (p.Ser335=)

Gene: ALG6 (ALG6 alpha-1,3-glucosyltransferase; plus strand). Cytogenetic location: 1p31.3.
Variant type: single nucleotide variant.
Coding change: c.1005A>C on transcript NM_013339.4 (MANE Select); coding-DNA position 1005, A replaced by C.
Protein change: p.Ser335=; no amino-acid change (serine 335 retained).
Molecular consequence: synonymous variant.
Genome position (GRCh38, 1-based): chr1:63,419,387, A>C. VCF-style: chr1-63419387-A-C. GRCh37 (hg19) VCF-style: chr1-63885058-A-C.
Other names: c.1005A>C, p.Ser335= (LRG_1260t1).
Identifiers: ClinVar variation 507518 (VCV000507518.8), dbSNP rs146094200, ClinGen allele CA23808945.
Genomic context (GRCh38, chr1:63,419,387, plus strand): 5'-TCACAAGTTGTTATATCTCATTTCCCCCCCTTTTTTCTTAAAGGTTAGCTGTGCGCTATC[A>C]TTCTTTTTATTTTCTTTCCAAGTACATGAAAAATCCATTCTCTTGGTGTCACTGTAAGTA-3'
Protein context (NP_037471.2, residues 325-345): FKFTLVSCAL[Ser335=]FFLFSFQVHE

ClinVar aggregate classification (germline): Likely benign. Review status: criteria provided, multiple submitters, no conflicts (2 of 4 stars). 2 submissions from 2 submitters: Likely benign (2). Last evaluated 2025-04-02.

Conditions:
ALG6-congenital disorder of glycosylation 1C (CDG1C). Also called: Congenital disorder of glycosylation, type Ic; CARBOHYDRATE-DEFICIENT GLYCOPROTEIN SYNDROME, TYPE I, WITH DEFICIENT GLYCOSYLATION OF DOLICHOL-LINKED OLIGOSACCHARIDE; CARBOHYDRATE-DEFICIENT GLYCOPROTEIN SYNDROME, TYPE V; Congenital disorder of glycosylation type 1C; CDG Ic. Identifiers: Orphanet 79320, MedGen C2930997, MONDO:0011291, OMIM 603147.

gnomAD v4.1: 3 of 1,609,952 alleles (0.00019%); highest among the groups gnomAD compares: Admixed American, 0.0033%; no homozygotes.

Submissions (2):

Labcorp Genetics (formerly Invitae), Labcorp
Classification: Likely benign for ALG6-congenital disorder of glycosylation 1C. Last evaluated: 2025-04-02. Review status: criteria provided, single submitter. Criteria: Invitae Variant Classification Sherloc (09022015). Collection method: clinical testing. Allele origin: germline.

GeneDx
Classification: Likely benign. Last evaluated: 2017-02-27. Review status: criteria provided, single submitter. Criteria: GeneDx Variant Classification (06012015). Collection method: clinical testing. Allele origin: germline. Affected: yes.
Comment: This variant is considered likely benign or benign based on one or more of the following criteria: it is a conservative change, it occurs at a poorly conserved position in the protein, it is predicted to be benign by multiple in silico algorithms, and/or has population frequency not consistent with disease.